The following is an entry in ClinVar:

NM_000051.4(ATM):c.436C>T (p.Leu146Phe)

Gene: ATM (ATM serine/threonine kinase; plus strand). Cytogenetic location: 11q22.3.
Variant type: single nucleotide variant.
Coding change: c.436C>T on transcript NM_000051.4 (MANE Select); coding-DNA position 436, C replaced by T.
Protein change: p.Leu146Phe; replaces leucine 146 with phenylalanine.
Molecular consequence: missense variant.
Genome position (GRCh38, 1-based): chr11:108,235,774, C>T. VCF-style: chr11-108235774-C-T. GRCh37 (hg19) VCF-style: chr11-108106501-C-T.
Other names: c.436C>T, p.Leu146Phe (NM_001351834.2); short protein forms L146F.
Identifiers: ClinVar variation 1514604 (VCV001514604.8), dbSNP rs2135124363, ClinGen allele CA382525226.
Genomic context (GRCh38, chr11:108,235,774, plus strand): 5'-GATACAGTGAAAGATTCATCTAATGGTGCTATTTACGGAGCTGATTGTAGCAACATACTA[C>T]TCAAAGACATTCTTTCTGTGAGAAAATACTGGTGTGAAATATCTCAGCAACAGTGGTTAG-3'
Protein context (NP_000042.3, residues 136-156): IYGADCSNIL[Leu146Phe]KDILSVRKYW

ClinVar aggregate classification (germline): Uncertain significance (1 of 4 stars; one submission).

Conditions:
Ataxia-telangiectasia syndrome (AT). Also called: Cerebello-oculocutaneous telangiectasia; Immunodeficiency with ataxia telangiectasia; ATAXIA-TELANGIECTASIA, COMPLEMENTATION GROUP A; ATAXIA-TELANGIECTASIA, FRESNO VARIANT; Ataxia-telangiectasia, complementation group E; LOUIS-BAR SYNDROME. Identifiers: Orphanet 100, MedGen C0004135, MONDO:0008840, OMIM 208900.

Allele frequency attached by ClinVar (database versions not stated): gnomAD exomes below 0.00001.
gnomAD v4.1: 3 of 1,613,792 alleles (0.00019%); highest among the groups gnomAD compares: Non-Finnish European, 0.00025%; no homozygotes.

Submission:

Labcorp Genetics (formerly Invitae), Labcorp
Classification: Uncertain significance for Ataxia-telangiectasia syndrome. Last evaluated: 2021-03-07. Review status: criteria provided, single submitter. Criteria: Invitae Variant Classification Sherloc (09022015). Collection method: clinical testing. Allele origin: germline.
Comment: This variant is not present in population databases (ExAC no frequency). This sequence change replaces leucine with phenylalanine at codon 146 of the ATM protein (p.Leu146Phe). The leucine residue is moderately conserved and there is a small physicochemical difference between leucine and phenylalanine. This variant has not been reported in the literature in individuals with ATM-related conditions. Advanced modeling of protein sequence and biophysical properties (such as structural, functional, and spatial information, amino acid conservation, physicochemical variation, residue mobility, and thermodynamic stability) performed at Invitae indicates that this missense variant is not expected to disrupt ATM protein function. In summary, the available evidence is currently insufficient to determine the role of this variant in disease. Therefore, it has been classified as a Variant of Uncertain Significance.